The following is an entry in ClinVar:

ClinVar aggregate classification (germline): Uncertain significance. Review status: criteria provided, multiple submitters, no conflicts (2 of 4 stars). 2 submissions from 2 submitters: Uncertain significance (2). Last evaluated 2024-07-09.

Conditions:
Familial melanoma. Also called: Hereditary melanoma; Hereditary cutaneous melanoma. Identifiers: Orphanet 618, MedGen C1512419, MONDO:0018961.
Hereditary cancer-predisposing syndrome. Also called: Hereditary Cancer Syndrome; Tumor predisposition; Hereditary neoplastic syndrome; Neoplastic Syndromes, Hereditary. Identifiers: Orphanet 140162, MedGen C0027672, MeSH D009386, MONDO:0015356.

Submissions (2):

Ambry Genetics
Classification: Uncertain significance for Hereditary cancer-predisposing syndrome. Last evaluated: 2024-07-09. Review status: criteria provided, single submitter. Criteria: Ambry Variant Classification Scheme 2023. Collection method: clinical testing. Allele origin: germline.
Comment: The p.Y191N variant (also known as c.571T>A), located in coding exon 4 of the CDK4 gene, results from a T to A substitution at nucleotide position 571. The tyrosine at codon 191 is replaced by asparagine, an amino acid with dissimilar properties. This amino acid position is highly conserved in available vertebrate species. In addition, this alteration is predicted to be deleterious by in silico analysis. Since supporting evidence is limited at this time, the clinical significance of this alteration remains unclear.

Labcorp Genetics (formerly Invitae), Labcorp
Classification: Uncertain significance for Familial melanoma. Last evaluated: 2020-10-08. Review status: criteria provided, single submitter. Criteria: Invitae Variant Classification Sherloc (09022015). Collection method: clinical testing. Allele origin: germline.
Comment: This sequence change replaces tyrosine with asparagine at codon 191 of the CDK4 protein (p.Tyr191Asn). The tyrosine residue is highly conserved and there is a large physicochemical difference between tyrosine and asparagine. This variant is not present in population databases (ExAC no frequency). Advanced modeling of protein sequence and biophysical properties (such as structural, functional, and spatial information, amino acid conservation, physicochemical variation, residue mobility, and thermodynamic stability) performed at Invitae indicates that this missense variant is expected to disrupt CDK4 protein function. This variant has not been reported in the literature in individuals with CDK4-related conditions. In summary, the available evidence is currently insufficient to determine the role of this variant in disease. Therefore, it has been classified as a Variant of Uncertain Significance.

NM_000075.4(CDK4):c.571T>A (p.Tyr191Asn)

Gene: CDK4 (cyclin dependent kinase 4; minus strand). Cytogenetic location: 12q14.1.
Variant type: single nucleotide variant.
Coding change: c.571T>A on transcript NM_000075.4 (MANE Select); coding-DNA position 571, T replaced by A.
Protein change: p.Tyr191Asn; replaces tyrosine 191 with asparagine.
Molecular consequence: missense variant.
Genome position (GRCh38, 1-based): chr12:57,750,717, A>T on the plus strand (T>A on the coding strand, the complement: CDK4 is on the minus strand). VCF-style: chr12-57750717-A-T. GRCh37 (hg19) VCF-style: chr12-58144500-A-T.
Other names: short protein forms Y191N.
Identifiers: ClinVar variation 1047485 (VCV001047485.12), dbSNP rs1955226614, ClinGen allele CA385545839.
Genomic context (GRCh38, chr12:57,750,717, plus strand): 5'-TTCGACGAAACATCTCTGCAAAGATACAGCCAACACTCCACATGTCCACAGGTGTTGCAT[A>T]TGTGGACTGCAGAAGAACTTCGGGAGCTCGGTACCAGAGTGTAACAACCTAAAGGGAATA-3'
Protein context (NP_000066.1, residues 181-201): RAPEVLLQST[Tyr191Asn]ATPVDMWSVG